The following is an entry in ClinVar:

ClinVar aggregate classification (germline): Benign/Likely benign. Review status: criteria provided, multiple submitters, no conflicts (2 of 4 stars). 3 submissions from 3 submitters: Benign (2); Likely benign (1). Last evaluated 2026-01-21.

Conditions:
Spastic paraplegia. Identifiers: MedGen C0037772, HP:0001258.

Submissions (3):

Labcorp Genetics (formerly Invitae), Labcorp
Classification: Benign for Spastic paraplegia. Last evaluated: 2026-01-21. Review status: criteria provided, single submitter. Criteria: Invitae Variant Classification Sherloc (09022015). Collection method: clinical testing. Allele origin: germline.

Mayo Clinic Laboratories, Mayo Clinic
Classification: Likely benign. Last evaluated: 2025-10-17. Review status: criteria provided, single submitter. Criteria: ACMG Guidelines, 2015. Collection method: clinical testing. Allele origin: germline. Observed: 4 variant alleles.
Comment: BP4, BP7

GeneDx
Classification: Benign. Last evaluated: 2019-08-11. Review status: criteria provided, single submitter. Criteria: GeneDx Variant Classification Process June 2021. Collection method: clinical testing. Allele origin: germline. Affected: yes.

NM_004820.5(CYP7B1):c.260-5del

Gene: CYP7B1 (cytochrome P450 family 7 subfamily B member 1; minus strand). Cytogenetic location: 8q12.3.
Variant type: Deletion.
Coding change: c.260-5del on transcript NM_004820.5 (MANE Select); 5 bases into the intron before coding-DNA position 260, one base deleted (T; older notation c.260-5delT).
Molecular consequence: intron variant.
Genome position (GRCh38, 1-based): chr8:64,616,286, A deleted on the plus strand (T on the coding strand, the reverse complement: CYP7B1 is on the minus strand); the first of 11 consecutive A bases (chr8:64,616,286-64,616,296); deleting any one gives the same sequence. VCF-style (leftmost placement, unchanged base first): chr8-64616285-GA-G. GRCh37 (hg19) VCF-style: chr8-65528842-GA-G.
Other names: p.?; c.260-5del (NM_001324112.2).
Identifiers: ClinVar variation 1271460 (VCV001271460.10), dbSNP rs8192896, ClinGen allele CA4764238.